The following is an entry in ClinVar:

ClinVar aggregate classification (germline): Pathogenic. Review status: criteria provided, multiple submitters, no conflicts (2 of 4 stars). 2 submissions from 2 submitters: Pathogenic (2). Last evaluated 2026-05-04.

Conditions:
Hereditary cancer-predisposing syndrome. Also called: Hereditary Cancer Syndrome; Tumor predisposition; Hereditary neoplastic syndrome; Neoplastic Syndromes, Hereditary. Identifiers: Orphanet 140162, MedGen C0027672, MeSH D009386, MONDO:0015356.
Cardiovascular phenotype. Identifiers: MedGen CN230736.
Neurofibromatosis, type 1 (NF1). Also called: VON RECKLINGHAUSEN DISEASE; NEUROFIBROMATOSIS, TYPE I, SOMATIC; Peripheral type neurofibromatosis; Neurofibromatosis, type I. Identifiers: Orphanet 636, MedGen C0027831, MONDO:0018975, OMIM 162200. Disease mechanism: loss of function.

Submissions (3):

Ambry Genetics
Classification: Pathogenic for Cardiovascular phenotype; Hereditary cancer-predisposing syndrome. Last evaluated: 2026-05-04. Review status: criteria provided, single submitter. Criteria: Ambry Variant Classification Scheme 2023. Collection method: clinical testing. Allele origin: germline.
Comment: The c.586+5G>A intronic pathogenic mutation results from a G to A substitution 5 nucleotides after coding exon 5 in the NF1 gene. This nucleotide position is highly conserved in available vertebrate species. In silico splice site analysis predicts that this alteration will weaken the native splice donor site. RNA studies have demonstrated that this variant results in abnormal splicing in the set of samples tested (Ambry internal data; (Ars E et al. Hum Mol Genet, 2000 Jan;9:237-47; Evans DG et al. EBioMedicine, 2016 May;7:212-20; Pros E et al. Hum Mutat, 2008 Sep;29:E173-93). This variant was reported in individual(s) with features consistent with neurofibromatosis type 1 (Ars E et al. Hum Mol Genet, 2000 Jan;9:237-47; Evans DG et al. EBioMedicine, 2016 May;7:212-20; Pros E et al. Hum Mutat, 2008 Sep;29:E173-93; Alghamdi M et al. Eur J Med Genet, 2021 Jul;64:104236). This variant is considered to be rare based on population cohorts in the Genome Aggregation Database (gnomAD). Based on the supporting evidence, this variant is interpreted as a disease-causing mutation.

Labcorp Genetics (formerly Invitae), Labcorp
Classification: Pathogenic for Neurofibromatosis, type 1. Last evaluated: 2024-10-06. Review status: criteria provided, single submitter. Criteria: Invitae Variant Classification Sherloc (09022015). Collection method: clinical testing. Allele origin: germline.
Comment: This sequence change falls in intron 5 of the NF1 gene. It does not directly change the encoded amino acid sequence of the NF1 protein. RNA analysis indicates that this variant induces altered splicing and may result in an absent or altered protein product. This variant is not present in population databases (gnomAD no frequency). This variant has been observed in individual(s) with clinical features of neurofibromatosis type 1 (PMID: 10607834, 33965620). ClinVar contains an entry for this variant (Variation ID: 404473). Variants that disrupt the consensus splice site are a relatively common cause of aberrant splicing (PMID: 17576681, 9536098). Studies have shown that this variant alters mRNA splicing and is expected to lead to the loss of protein expression (PMID: 10607834, 22617876). For these reasons, this variant has been classified as Pathogenic.

Dr. Peter K. Rogan Lab, Western University
No classification provided (evidence only). Condition: Uterine corpus endometrial carcinoma. Review status: no classification provided. Collection method: in vitro. Allele origin: not applicable. Functional consequence: skipped exon. Not counted in ClinVar's aggregate classification.

Literature cited by the submitters: PubMed 10607834 (cited by Ambry Genetics and Labcorp Genetics (formerly Invitae), Labcorp); PubMed 18546366 (cited by Ambry Genetics); PubMed 27322474 (cited by Ambry Genetics); PubMed 33965620 (cited by Ambry Genetics and Labcorp Genetics (formerly Invitae), Labcorp); PubMed 17576681 (cited by Labcorp Genetics (formerly Invitae), Labcorp); PubMed 9536098 (cited by Labcorp Genetics (formerly Invitae), Labcorp); PubMed 22617876 (cited by Labcorp Genetics (formerly Invitae), Labcorp).

NM_001042492.3(NF1):c.586+5G>A

Gene: NF1 (neurofibromin 1; plus strand). Cytogenetic location: 17q11.2.
Variant type: single nucleotide variant.
Coding change: c.586+5G>A on transcript NM_001042492.3 (MANE Select); 5 bases into the intron after coding-DNA position 586, G replaced by A.
Molecular consequence: intron variant.
Genome position (GRCh38, 1-based): chr17:31,170,002, G>A. VCF-style: chr17-31170002-G-A. GRCh37 (hg19) VCF-style: chr17-29497020-G-A.
Other names: c.586+5G>A (NM_000267.4, NM_001128147.3).
Identifiers: ClinVar variation 404473 (VCV000404473.9), dbSNP rs1060500284, ClinGen allele CA16615148.